The following is an entry in ClinVar:

ClinVar aggregate classification (germline): Likely benign. Review status: criteria provided, multiple submitters, no conflicts (2 of 4 stars). 2 submissions from 2 submitters: Likely benign (2). Last evaluated 2026-06-12.

Conditions:
Polyps, multiple and recurrent inflammatory fibroid, gastrointestinal. Identifiers: MedGen C5193005, MONDO:0008285, OMIM 175510.
Gastrointestinal stromal tumor. Also called: Gastrointestinal stromal tumor, somatic; Gastrointestinal stroma tumor. Identifiers: Orphanet 44890, MedGen C0238198, MeSH D046152, MONDO:0011719, OMIM 606764, HP:0100723.

Allele frequency attached by ClinVar (database versions not stated): ExAC 0.00002.

Submissions (2):

Myriad Genetics, Inc.
Classification: Likely benign for Polyps, multiple and recurrent inflammatory fibroid, gastrointestinal. Last evaluated: 2026-06-12. Review status: criteria provided, single submitter. Criteria: Myriad Autosomal Dominant, Autosomal Recessive and X-Linked Classification Criteria (2023). Collection method: clinical testing. Allele origin: unknown.
Comment: This variant is considered likely benign. This variant is intronic and is not expected to impact mRNA splicing.

Labcorp Genetics (formerly Invitae), Labcorp
Classification: Likely benign for Gastrointestinal stromal tumor. Last evaluated: 2026-01-19. Review status: criteria provided, single submitter. Criteria: Invitae Variant Classification Sherloc (09022015). Collection method: clinical testing. Allele origin: germline.

NM_006206.6(PDGFRA):c.50-16G>A

Gene: PDGFRA (platelet derived growth factor receptor alpha; plus strand). Cytogenetic location: 4q12.
Variant type: single nucleotide variant.
Coding change: c.50-16G>A on transcript NM_006206.6 (MANE Select); 16 bases into the intron before coding-DNA position 50, G replaced by A.
Molecular consequence: intron variant.
Genome position (GRCh38, 1-based): chr4:54,261,079, G>A. VCF-style: chr4-54261079-G-A. GRCh37 (hg19) VCF-style: chr4-55127246-G-A.
Other names: c.125-16G>A (NM_001347828.2); c.50-16G>A (NM_001347827.2, NM_001347829.2); c.89-16G>A (NM_001347830.2).
Identifiers: ClinVar variation 1577098 (VCV001577098.9), dbSNP rs767694299, ClinGen allele CA2922223.